The following is an entry in ClinVar:

NM_004360.5(CDH1):c.232G>A (p.Gly78Ser)

Gene: CDH1 (cadherin 1; plus strand). Cytogenetic location: 16q22.1.
Variant type: single nucleotide variant.
Coding change: c.232G>A on transcript NM_004360.5 (MANE Select); coding-DNA position 232, G replaced by A.
Protein change: p.Gly78Ser; replaces glycine 78 with serine.
Molecular consequence: missense variant. On other transcripts: 5 prime UTR variant (2).
Genome position (GRCh38, 1-based): chr16:68,801,738, G>A. VCF-style: chr16-68801738-G-A. GRCh37 (hg19) VCF-style: chr16-68835641-G-A.
Other names: c.232G>A (LRG_301t1, NM_004360.4); c.232G>A, p.Gly78Ser (NM_001317184.2); c.-1384G>A (NM_001317185.2); c.-1588G>A (NM_001317186.2); short protein forms G78S.
Identifiers: ClinVar variation 220325 (VCV000220325.12), dbSNP rs864622477, ClinGen allele CA349228.

ClinVar aggregate classification (germline): Uncertain significance. Review status: criteria provided, multiple submitters, no conflicts (2 of 4 stars). 4 submissions from 4 submitters: Uncertain significance (4). Last evaluated 2026-09-03.

Conditions:
Hereditary cancer-predisposing syndrome. Also called: Tumor predisposition; Neoplastic Syndromes, Hereditary; Hereditary Cancer Syndrome; Hereditary neoplastic syndrome. Identifiers: Orphanet 140162, MedGen C0027672, MeSH D009386, MONDO:0015356.
Hereditary diffuse gastric adenocarcinoma (HDGC). Also called: DIFFUSE GASTRIC AND LOBULAR BREAST CANCER SYNDROME. Identifiers: Orphanet 26106, MedGen C1708349, MONDO:0007648, OMIM 137215.

Submissions (4):

Ambry Genetics
Classification: Uncertain significance for Hereditary cancer-predisposing syndrome. Last evaluated: 2026-09-03. Review status: criteria provided, single submitter. Criteria: Ambry Variant Classification Scheme 2023. Collection method: clinical testing. Allele origin: germline.
Comment: The p.G78S variant (also known as c.232G>A), located in coding exon 3 of the CDH1 gene, results from a G to A substitution at nucleotide position 232. The glycine at codon 78 is replaced by serine, an amino acid with similar properties. This amino acid position is not well conserved in available vertebrate species. In addition, this alteration is predicted to be tolerated by in silico analysis. Based on the available evidence, the clinical significance of this variant remains unclear.

Labcorp Genetics (formerly Invitae), Labcorp
Classification: Uncertain significance for Hereditary diffuse gastric adenocarcinoma. Last evaluated: 2025-03-09. Review status: criteria provided, single submitter. Criteria: Invitae Variant Classification Sherloc (09022015). Collection method: clinical testing. Allele origin: germline.
Comment: This sequence change replaces glycine, which is neutral and non-polar, with serine, which is neutral and polar, at codon 78 of the CDH1 protein (p.Gly78Ser). This variant is not present in population databases (gnomAD no frequency). This variant has not been reported in the literature in individuals affected with CDH1-related conditions. ClinVar contains an entry for this variant (Variation ID: 220325). An algorithm developed to predict the effect of missense changes on protein structure and function outputs the following: PolyPhen-2: "Benign". The serine amino acid residue is found in multiple mammalian species, which suggests that this missense change does not adversely affect protein function. In summary, the available evidence is currently insufficient to determine the role of this variant in disease. Therefore, it has been classified as a Variant of Uncertain Significance.

Institute for Biomarker Research, Medical Diagnostic Laboratories, L.L.C.
Classification: Uncertain significance for Hereditary cancer-predisposing syndrome. Last evaluated: 2024-02-14. Review status: criteria provided, single submitter. Criteria: ACMG Guidelines, 2015. Collection method: clinical testing. Allele origin: germline.

Quest Diagnostics Nichols Institute San Juan Capistrano
Classification: Uncertain significance. Last evaluated: 2023-07-07. Review status: criteria provided, single submitter. Criteria: Quest Diagnostics criteria. Collection method: clinical testing. Allele origin: unknown.
Comment: This variant has not been reported in the published literature. It also has not been reported in large, multi-ethnic general populations (Genome Aggregation Database). Analysis of this variant using bioinformatics tools for the prediction of the effect of amino acid changes on protein structure and function yielded predictions that this variant is benign. Additional analysis using software algorithms for the prediction of the effect of nucleotide changes on CDH1 mRNA splicing yielded predictions that this variant may result in the gain of a cryptic splice site without affecting the natural splice sites . Based on the available information, we are unable to determine the clinical significance of this variant.

Literature cited by the submitters: PubMed 30287823 (cited by Quest Diagnostics Nichols Institute San Juan Capistrano); PubMed 31159747 (cited by Quest Diagnostics Nichols Institute San Juan Capistrano); PubMed 36436516 (cited by Quest Diagnostics Nichols Institute San Juan Capistrano).